The following is an entry in ClinVar:

ClinVar aggregate classification (germline): Uncertain significance (1 of 4 stars; one submission).

Submission:

Labcorp Genetics (formerly Invitae), Labcorp
Classification: Uncertain significance. Last evaluated: 2024-10-08. Review status: criteria provided, single submitter. Criteria: Invitae Variant Classification Sherloc (09022015). Collection method: clinical testing. Allele origin: germline.
Comment: This sequence change falls in intron 5 of the AIMP1 gene. It does not directly change the encoded amino acid sequence of the AIMP1 protein. It affects a nucleotide within the consensus splice site. This variant is not present in population databases (gnomAD no frequency). This variant has not been reported in the literature in individuals affected with AIMP1-related conditions. ClinVar contains an entry for this variant (Variation ID: 2080205). Variants that disrupt the consensus splice site are a relatively common cause of aberrant splicing (PMID: 17576681, 9536098). Algorithms developed to predict the effect of sequence changes on RNA splicing suggest that this variant is not likely to affect RNA splicing. In summary, the available evidence is currently insufficient to determine the role of this variant in disease. Therefore, it has been classified as a Variant of Uncertain Significance.

Literature cited by the submitters: PubMed 17576681; PubMed 9536098.

NM_001142416.2(AIMP1):c.603+3A>G

Gene: AIMP1 (aminoacyl tRNA synthetase complex interacting multifunctional protein 1; plus strand). Cytogenetic location: 4q24.
Variant type: single nucleotide variant.
Coding change: c.603+3A>G on transcript NM_001142416.2 (MANE Select); 3 bases into the intron after coding-DNA position 603, A replaced by G.
Molecular consequence: intron variant.
Genome position (GRCh38, 1-based): chr4:106,331,886, A>G. VCF-style: chr4-106331886-A-G. GRCh37 (hg19) VCF-style: chr4-107253043-A-G.
Other names: c.603+3A>G (NM_001142415.2, NM_004757.4).
Identifiers: ClinVar variation 2080205 (VCV002080205.4), dbSNP rs2476200591, ClinGen allele CA2580071323.